The following is an entry in ClinVar:

ClinVar aggregate classification (germline): Uncertain significance (1 of 4 stars; one submission).

Conditions:
Hereditary cancer-predisposing syndrome. Also called: Neoplastic Syndromes, Hereditary; Hereditary Cancer Syndrome; Tumor predisposition; Hereditary neoplastic syndrome. Identifiers: Orphanet 140162, MedGen C0027672, MeSH D009386, MONDO:0015356.

Submission:

Ambry Genetics
Classification: Uncertain significance for Hereditary cancer-predisposing syndrome. Last evaluated: 2024-12-11. Review status: criteria provided, single submitter. Criteria: Ambry Variant Classification Scheme 2023. Collection method: clinical testing. Allele origin: germline.
Comment: The c.656_657delTG variant, located in coding exon 7 of the POLE gene, results from a deletion of two nucleotides at nucleotide positions 656 to 657, causing a translational frameshift with a predicted alternate stop codon (p.V219Gfs*16). This alteration is expected to result in loss of function by premature protein truncation or nonsense-mediated mRNA decay. Loss-of-function variants subject to nonsense mediated decay (NMD) in POLE are known to cause POLE-deficiency; however, such associations with POLE-related polymerase proofreading-associated polyposis (PPAP) have not been reported. Based on the supporting evidence, this alteration is pathogenic for POLE-deficiency; however, the association of this alteration with POLE-related polymerase proofreading-associated polyposis (PPAP) is unknown.

NM_006231.4(POLE):c.656_657del (p.Val219fs)

Gene: POLE (DNA polymerase epsilon, catalytic subunit; minus strand). Cytogenetic location: 12q24.33.
Variant type: Microsatellite.
Coding change: c.656_657del on transcript NM_006231.4 (MANE Select); coding-DNA positions 656 to 657, 2 bases deleted (TG; older notation c.656_657delTG).
Protein change: p.Val219fs; shifts the reading frame from valine 219.
Molecular consequence: frameshift variant.
Genome position (GRCh38, 1-based): chr12:132,677,641-132,677,642, CA deleted on the plus strand (TG on the coding strand, the reverse complement: POLE is on the minus strand); deleting any 2 consecutive bases within chr12:132,677,641-132,677,644 gives the same sequence; the c. name uses the placement nearest the transcript's 3' end. VCF-style (leftmost placement, unchanged base first): chr12-132677640-CCA-C. GRCh37 (hg19) VCF-style: chr12-133254226-CCA-C.
Other names: short protein forms V219fs.
Identifiers: ClinVar variation 3781522 (VCV003781522.1).